The following is an entry in ClinVar:

ClinVar aggregate classification (germline): Uncertain significance (1 of 4 stars; one submission).

Allele frequency attached by ClinVar (database versions not stated): gnomAD exomes below 0.00001; TOPMed 0.00001.

Submission:

GeneDx
Classification: Uncertain significance. Last evaluated: 2022-07-25. Review status: criteria provided, single submitter. Criteria: GeneDx Variant Classification Process June 2021. Collection method: clinical testing. Allele origin: germline. Affected: yes.
Comment: Has not been previously published as pathogenic or benign to our knowledge; Not observed at significant frequency in large population cohorts (gnomAD); In silico analysis supports that this missense variant does not alter protein structure/function

NM_006796.3(AFG3L2):c.487C>T (p.Leu163Phe)

Gene: AFG3L2 (AFG3 like matrix AAA peptidase subunit 2; minus strand). Cytogenetic location: 18p11.21.
Variant type: single nucleotide variant.
Coding change: c.487C>T on transcript NM_006796.3 (MANE Select); coding-DNA position 487, C replaced by T.
Protein change: p.Leu163Phe; replaces leucine 163 with phenylalanine.
Molecular consequence: missense variant.
Genome position (GRCh38, 1-based): chr18:12,367,030, G>A on the plus strand (C>T on the coding strand, the complement: AFG3L2 is on the minus strand). VCF-style: chr18-12367030-G-A. GRCh37 (hg19) VCF-style: chr18-12367029-G-A.
Other names: short protein forms L163F.
Identifiers: ClinVar variation 2412919 (VCV002412919.3), dbSNP rs1908826961, ClinGen allele CA401954583.